The following is an entry in ClinVar:

NM_003184.4(TAF2):c.3461A>C (p.His1154Pro)

Gene: TAF2 (TATA-box binding protein associated factor 2; minus strand). Cytogenetic location: 8q24.12.
Variant type: single nucleotide variant.
Coding change: c.3461A>C on transcript NM_003184.4 (MANE Select); coding-DNA position 3461, A replaced by C.
Protein change: p.His1154Pro; replaces histidine 1154 with proline.
Molecular consequence: missense variant.
Genome position (GRCh38, 1-based): chr8:119,732,063, T>G on the plus strand (A>C on the coding strand, the complement: TAF2 is on the minus strand). VCF-style: chr8-119732063-T-G. GRCh37 (hg19) VCF-style: chr8-120744303-T-G.
Other names: short protein forms H1154P.
Identifiers: ClinVar variation 2118097 (VCV002118097.4), dbSNP rs1001864002, ClinGen allele CA184335941.

ClinVar aggregate classification (germline): Uncertain significance (1 of 4 stars; one submission).

Submission:

Labcorp Genetics (formerly Invitae), Labcorp
Classification: Uncertain significance. Last evaluated: 2022-04-04. Review status: criteria provided, single submitter. Criteria: Invitae Variant Classification Sherloc (09022015). Collection method: clinical testing. Allele origin: germline.
Comment: In summary, the available evidence is currently insufficient to determine the role of this variant in disease. Therefore, it has been classified as a Variant of Uncertain Significance. Algorithms developed to predict the effect of missense changes on protein structure and function are either unavailable or do not agree on the potential impact of this missense change (SIFT: "Tolerated"; PolyPhen-2: "Probably Damaging"; Align-GVGD: "Class C0"). This variant has not been reported in the literature in individuals affected with TAF2-related conditions. This variant is not present in population databases (gnomAD no frequency). This sequence change replaces histidine, which is basic and polar, with proline, which is neutral and non-polar, at codon 1154 of the TAF2 protein (p.His1154Pro).